The following is an entry in ClinVar:

NM_003384.3(VRK1):c.476T>G (p.Leu159Ter)

Gene: VRK1 (VRK serine/threonine kinase 1; plus strand). Cytogenetic location: 14q32.2.
Variant type: single nucleotide variant.
Coding change: c.476T>G on transcript NM_003384.3 (MANE Select); coding-DNA position 476, T replaced by G.
Protein change: p.Leu159Ter; replaces leucine 159 with a stop codon.
Molecular consequence: nonsense.
Genome position (GRCh38, 1-based): chr14:96,852,932, T>G. VCF-style: chr14-96852932-T-G. GRCh37 (hg19) VCF-style: chr14-97319269-T-G.
Other names: c.476T>G, p.Leu159Ter (NM_001411051.1, NM_001411053.1); short protein forms L159*.
Identifiers: ClinVar variation 4815119 (VCV004815119.1).
Genomic context (GRCh38, chr14:96,852,932, plus strand): 5'-AGAAAATATATGAAGCAAATGCCAAAAGGTTTTCTCGGAAAACTGTCTTGCAGCTAAGCT[T>G]AAGAATTGTATGTGAGCTATGTTCTTCTTGTTTTTAAAAAATTGTTTTGAGTACAGTAAA-3'

ClinVar aggregate classification (germline): Likely pathogenic (1 of 4 stars; one submission).

Conditions:
Pontocerebellar hypoplasia type 1A (PCH1A). Also called: PONTOCEREBELLAR HYPOPLASIA WITH ANTERIOR HORN CELL DISEASE; PONTOCEREBELLAR HYPOPLASIA WITH INFANTILE SPINAL MUSCULAR ATROPHY. Identifiers: Orphanet 2254, Orphanet 88616, MedGen C1843504, MONDO:0011866, OMIM 607596.

Submission:

Natera, Inc.
Classification: Likely pathogenic for Pontocerebellar hypoplasia, type 1a. Last evaluated: 2024-05-10. Review status: criteria provided, single submitter. Criteria: Natera Variant Classification Schema (03/2026). Collection method: clinical testing. Allele origin: germline.
Comment: The c.476T>G variant in VRK1 is a nonsense variant predicted to introduce a stop codon at amino acid 159. This variant is expected to result in nonsense mediated decay, truncation, or a dysfunctional protein product. This variant is rare in the general population with a frequency below the threshold expected for the associated phenotype(s). Given the available evidence, this variant is classified as Likely Pathogenic.